The following is an entry in ClinVar:

NM_007194.4(CHEK2):c.792+10A>G

Gene: CHEK2 (checkpoint kinase 2; minus strand). Cytogenetic location: 22q12.1.
Variant type: single nucleotide variant.
Coding change: c.792+10A>G on transcript NM_007194.4 (MANE Select); 10 bases into the intron after coding-DNA position 792, A replaced by G.
Molecular consequence: intron variant.
Genome position (GRCh38, 1-based): chr22:28,711,899, T>C on the plus strand (A>G on the coding strand, the complement: CHEK2 is on the minus strand). VCF-style: chr22-28711899-T-C. GRCh37 (hg19) VCF-style: chr22-29107887-T-C.
Other names: c.129+10A>G (NM_001437942.1, NM_001257387.3); c.591+10A>G (NM_001349956.3); c.792+10A>G (NM_145862.3); c.885+10A>G (NM_001438295.1, NM_001438293.1); c.921+10A>G (NM_001438294.1, NM_001005735.3).
Identifiers: ClinVar variation 798501 (VCV000798501.12), dbSNP rs753836819, ClinGen allele CA10167876.

ClinVar aggregate classification (germline): Likely benign. Review status: criteria provided, multiple submitters, no conflicts (2 of 4 stars). 3 submissions from 3 submitters: Likely benign (3). Last evaluated 2024-10-03.

Conditions:
Familial cancer of breast. Also called: hereditary breast carcinoma; Hereditary breast cancer; BREAST CANCER, FAMILIAL. Identifiers: Orphanet 227535, MedGen C0346153, MONDO:0016419, OMIM 114480. Disease mechanism: loss of function.

Allele frequency attached by ClinVar (database versions not stated): gnomAD exomes below 0.00001; TOPMed below 0.00001; ExAC 0.00001; gnomAD 0.00001.
gnomAD v4.1: 5 of 1,566,428 alleles (0.00032%); highest among the groups gnomAD compares: African/African-American, 0.0054%; no homozygotes.

Submissions (3):

Myriad Genetics, Inc.
Classification: Likely benign for Familial cancer of breast. Last evaluated: 2024-10-03. Review status: criteria provided, single submitter. Criteria: Myriad Autosomal Dominant, Autosomal Recessive and X-Linked Classification Criteria (2023). Collection method: clinical testing. Allele origin: unknown.
Comment: This variant is considered likely benign. This variant is intronic and is not expected to impact mRNA splicing.

Labcorp Genetics (formerly Invitae), Labcorp
Classification: Likely benign for Familial cancer of breast. Last evaluated: 2024-02-22. Review status: criteria provided, single submitter. Criteria: Invitae Variant Classification Sherloc (09022015). Collection method: clinical testing. Allele origin: germline.

Quest Diagnostics Nichols Institute San Juan Capistrano
Classification: Likely benign. Last evaluated: 2021-07-30. Review status: criteria provided, single submitter. Criteria: Quest Diagnostics criteria. Collection method: clinical testing. Allele origin: unknown.